The following is an entry in ClinVar:

NM_000368.5(TSC1):c.1831G>A (p.Ala611Thr)

Gene: TSC1 (TSC complex subunit 1; minus strand). Cytogenetic location: 9q34.13.
Variant type: single nucleotide variant.
Coding change: c.1831G>A on transcript NM_000368.5 (MANE Select); coding-DNA position 1831, G replaced by A.
Protein change: p.Ala611Thr; replaces alanine 611 with threonine.
Molecular consequence: missense variant. On other transcripts: non-coding transcript variant (5).
Genome position (GRCh38, 1-based): chr9:132,905,747, C>T on the plus strand (G>A on the coding strand, the complement: TSC1 is on the minus strand). VCF-style: chr9-132905747-C-T. GRCh37 (hg19) VCF-style: chr9-135781134-C-T.
Other names: c.1831G>A, p.Ala611Thr (NM_001406593.1, NM_001406594.1, NM_001406595.1 and 7 more transcripts); c.1828G>A, p.Ala610Thr (NM_001406597.1, NM_001406598.1, NM_001406608.1 and 6 more transcripts); c.1468G>A, p.Ala490Thr (NM_001406618.1, NM_001406619.1, NM_001406624.1 and 5 more transcripts); c.1465G>A, p.Ala489Thr (NM_001406620.1, NM_001406621.1, NM_001406622.1 and 2 more transcripts); c.880G>A, p.Ala294Thr (NM_001406626.1); c.1678G>A, p.Ala560Thr (NM_001406610.1, NM_001162427.2); c.1675G>A, p.Ala559Thr (NM_001406611.1, NM_001406612.1, NM_001406613.1); c.877G>A, p.Ala293Thr (NM_001406627.1, NM_001406628.1); and 1 more; short protein forms A489T, A490T, A611T, A559T, A560T, A293T, A294T, A610T.
Identifiers: ClinVar variation 3650718 (VCV003650718.2).

ClinVar aggregate classification (germline): Uncertain significance (1 of 4 stars; one submission).

Conditions:
Tuberous sclerosis 1 (TSC1). Identifiers: Orphanet 805, MedGen C1854465, MONDO:0008612, OMIM 191100.

Submission:

Labcorp Genetics (formerly Invitae), Labcorp
Classification: Uncertain significance for Tuberous sclerosis 1. Last evaluated: 2024-04-24. Review status: criteria provided, single submitter. Criteria: Invitae Variant Classification Sherloc (09022015). Collection method: clinical testing. Allele origin: germline.
Comment: This sequence change replaces alanine, which is neutral and non-polar, with threonine, which is neutral and polar, at codon 611 of the TSC1 protein (p.Ala611Thr). This variant is not present in population databases (gnomAD no frequency). This variant has not been reported in the literature in individuals affected with TSC1-related conditions. Advanced modeling of protein sequence and biophysical properties (such as structural, functional, and spatial information, amino acid conservation, physicochemical variation, residue mobility, and thermodynamic stability) performed at Invitae indicates that this missense variant is not expected to disrupt TSC1 protein function with a negative predictive value of 95%. In summary, the available evidence is currently insufficient to determine the role of this variant in disease. Therefore, it has been classified as a Variant of Uncertain Significance.